The following is an entry in ClinVar:

NM_002691.4(POLD1):c.1169C>G (p.Pro390Arg)

Gene: POLD1 (DNA polymerase delta 1, catalytic subunit; plus strand). Cytogenetic location: 19q13.33.
Variant type: single nucleotide variant.
Coding change: c.1169C>G on transcript NM_002691.4 (MANE Select); coding-DNA position 1169, C replaced by G.
Protein change: p.Pro390Arg; replaces proline 390 with arginine.
Molecular consequence: missense variant. On other transcripts: non-coding transcript variant (1).
Genome position (GRCh38, 1-based): chr19:50,403,524, C>G. VCF-style: chr19-50403524-C-G. GRCh37 (hg19) VCF-style: chr19-50906781-C-G.
Other names: c.1169C>G, p.Pro390Arg (NM_001256849.1, NM_001308632.1); short protein forms P390R.
Identifiers: ClinVar variation 2563163 (VCV002563163.2), dbSNP rs2038747210, ClinGen allele CA406978493.
Genomic context (GRCh38, chr19:50,403,524, plus strand): 5'-AGGGTGACCCAATGTGCTCCCACCCCCAGGCCTGGTCCACCTTCATCCGTATCATGGACC[C>G]CGACGTGATCACCGGTTACAACATCCAGAACTTCGACCTTCCGTACCTCATCTCTCGGGC-3'
Protein context (NP_002682.2, residues 380-400): AWSTFIRIMD[Pro390Arg]DVITGYNIQN

ClinVar aggregate classification (germline): Uncertain significance (1 of 4 stars; one submission).

Conditions:
Hereditary cancer-predisposing syndrome. Also called: Neoplastic Syndromes, Hereditary; Hereditary Cancer Syndrome; Hereditary neoplastic syndrome; Tumor predisposition. Identifiers: Orphanet 140162, MedGen C0027672, MeSH D009386, MONDO:0015356.

Submission:

Ambry Genetics
Classification: Uncertain significance for Hereditary cancer-predisposing syndrome. Last evaluated: 2023-03-17. Review status: criteria provided, single submitter. Criteria: Ambry Variant Classification Scheme 2023. Collection method: clinical testing. Allele origin: germline.
Comment: The p.P390R variant (also known as c.1169C>G), located in coding exon 9 of the POLD1 gene, results from a C to G substitution at nucleotide position 1169. The proline at codon 390 is replaced by arginine, an amino acid with dissimilar properties. This amino acid position is conserved. In addition, this alteration is predicted to be deleterious by in silico analysis. Since supporting evidence is limited at this time, the clinical significance of this alteration remains unclear.